The following is an entry in ClinVar:

NM_003900.5(SQSTM1):c.810C>T (p.Pro270=)

Gene: SQSTM1 (sequestosome 1; plus strand). Cytogenetic location: 5q35.3.
Variant type: single nucleotide variant.
Coding change: c.810C>T on transcript NM_003900.5 (MANE Select); coding-DNA position 810, C replaced by T.
Protein change: p.Pro270=; no amino-acid change (proline 270 retained).
Molecular consequence: synonymous variant.
Genome position (GRCh38, 1-based): chr5:179,833,087, C>T. VCF-style: chr5-179833087-C-T. GRCh37 (hg19) VCF-style: chr5-179260087-C-T.
Other names: c.558C>T, p.Pro186= (NM_001142298.2, NM_001142299.2).
Identifiers: ClinVar variation 717805 (VCV000717805.32), dbSNP rs1280918343, ClinGen allele CA448381677.

ClinVar aggregate classification (germline): Likely benign. Review status: criteria provided, multiple submitters, no conflicts (2 of 4 stars). 2 submissions from 2 submitters: Likely benign (2). Last evaluated 2025-04-11.

Conditions:
Paget disease of bone 2, early-onset (PDB2). Also called: Paget disease of bone 2. Identifiers: MedGen C4085251, MONDO:0011183, OMIM 602080.
Frontotemporal dementia and/or amyotrophic lateral sclerosis 1 (FTDALS1). Also called: C9orf72 Frontotemporal Dementia and/or Amyotrophic Lateral Sclerosis; Frontotemporal dementia with motor neuron disease 1. Identifiers: Orphanet 275872, MedGen C5779877, MONDO:0007105, OMIM 105550.

Allele frequency attached by ClinVar (database versions not stated): gnomAD exomes 0.00001; TOPMed 0.00001.
gnomAD v4.1: 13 of 1,614,220 alleles (0.00081%); highest among the groups gnomAD compares: East Asian, 0.0045%; no homozygotes.

Submissions (2):

Labcorp Genetics (formerly Invitae), Labcorp
Classification: Likely benign for Paget disease of bone 2, early-onset; Frontotemporal dementia and/or amyotrophic lateral sclerosis 1. Last evaluated: 2025-04-11. Review status: criteria provided, single submitter. Criteria: Invitae Variant Classification Sherloc (09022015). Collection method: clinical testing. Allele origin: germline.

CeGaT Center for Human Genetics Tuebingen
Classification: Likely benign. Last evaluated: 2022-05-01. Review status: criteria provided, single submitter. Criteria: CeGaT Center For Human Genetics Tuebingen Variant Classification Criteria Version 2. Collection method: clinical testing. Allele origin: germline. Affected: yes. Observed: 1 variant allele.
Comment: SQSTM1: BP4, BP7